The following is an entry in ClinVar:

NM_002609.4(PDGFRB):c.3026A>G (p.Tyr1009Cys)

Gene: PDGFRB (platelet derived growth factor receptor beta; minus strand). Cytogenetic location: 5q32.
Variant type: single nucleotide variant.
Coding change: c.3026A>G on transcript NM_002609.4 (MANE Select); coding-DNA position 3026, A replaced by G.
Protein change: p.Tyr1009Cys; replaces tyrosine 1009 with cysteine.
Molecular consequence: missense variant.
Genome position (GRCh38, 1-based): chr5:150,117,729, T>C on the plus strand (A>G on the coding strand, the complement: PDGFRB is on the minus strand). VCF-style: chr5-150117729-T-C. GRCh37 (hg19) VCF-style: chr5-149497292-T-C.
Other names: c.2834A>G, p.Tyr945Cys (NM_001355016.2); c.2543A>G, p.Tyr848Cys (NM_001355017.2); c.3026A>G (NM_002609.3); short protein forms Y1009C, Y848C, Y945C.
Identifiers: ClinVar variation 2935583 (VCV002935583.5), dbSNP rs148183775, ClinGen allele CA3507448.

ClinVar aggregate classification (germline): Conflicting classifications of pathogenicity. Review status: criteria provided, conflicting classifications (1 of 4 stars). 3 submissions from 3 submitters: Uncertain significance (2); Likely benign (1). Last evaluated 2026-04-10.

Conditions:
Myofibromatosis, infantile, 1. Also called: Myofibromatosis, juvenile. Identifiers: Orphanet 2591, MedGen C4551572, MONDO:0009227, OMIM 228550.
Skeletal overgrowth-craniofacial dysmorphism-hyperelastic skin-white matter lesions syndrome. Also called: SKELETAL OVERGROWTH WITH FACIAL DYSMORPHISM, HYPERELASTIC SKIN, WHITE MATTER LESIONS, AND NEUROLOGIC DETERIORATION; Kosaki overgrowth syndrome. Identifiers: Orphanet 477831, MedGen C4225270, MONDO:0014704, OMIM 616592.
Infantile myofibromatosis (IMF). Also called: Congenital generalized fibromatosis. Identifiers: Orphanet 2591, MedGen C0432284, MONDO:0016824.
Acroosteolysis-keloid-like lesions-premature aging syndrome. Also called: Premature aging syndrome, Penttinen type; Prematurely aged appearance, delayed bone maturation, acro-osteolysis, and brachydactyly; Progeroid syndrome, Penttinen type. Identifiers: Orphanet 363665, MedGen C1866182, MONDO:0011150, OMIM 601812.
Basal ganglia calcification, idiopathic, 4 (PFBC4). Also called: Familial Idiopathic Basal Ganglia Calcification 4; PRIMARY FAMILIAL BRAIN CALCIFICATION 4, AUTOSOMAL DOMINANT. Identifiers: Orphanet 1980, MedGen C3554321, MONDO:0014004, OMIM 615007.

Allele frequency attached by ClinVar (database versions not stated): ExAC 0.00002; ESP Exome Variant Server 0.00008; TOPMed 0.00011; gnomAD exomes 0.00002; gnomAD 0.00010.
gnomAD v4.1: 48 of 1,613,320 alleles (0.003%); highest among the groups gnomAD compares: African/African-American, 0.039%; no homozygotes.

Submissions (3):

Clinical Genomics Laboratory, Washington University in St. Louis
Classification: Uncertain significance for Skeletal overgrowth-craniofacial dysmorphism-hyperelastic skin-white matter lesions syndrome; Myofibromatosis, infantile, 1. Last evaluated: 2026-04-10. Review status: criteria provided, single submitter. Criteria: ACMG Guidelines, 2015. Collection method: clinical testing. Allele origin: germline.
Comment: A PDGFRB c.3026A>G (p.Tyr1009Cys) variant was identified at a near-heterozygous allelic fraction of 47.4%, a frequency which may be consistent with it being of germline origin. This variant, to our knowledge, has not been reported in the medical literature. It has been reported in the ClinVar database as a germline variant of uncertain significance by one submitter, and a germline likely benign variant by one submitter (Variation ID: 2935583). It is observed on 48/1,613,320 alleles in the general population (gnomAD v4.1.1). Computational predictors are uncertain as to the impact of this variant on PDGFRB function. Due to limited information, and based on ACMG/AMP guidelines for variant interpretation (Richards S et al., PMID: 25741868), the clinical significance of this variant is uncertain at this time.

Labcorp Genetics (formerly Invitae), Labcorp
Classification: Likely benign for Basal ganglia calcification, idiopathic, 4; Skeletal overgrowth-craniofacial dysmorphism-hyperelastic skin-white matter lesions syndrome; Infantile myofibromatosis; Acroosteolysis-keloid-like lesions-premature aging syndrome. Last evaluated: 2025-10-25. Review status: criteria provided, single submitter. Criteria: Invitae Variant Classification Sherloc (09022015). Collection method: clinical testing. Allele origin: germline.

GeneDx
Classification: Uncertain significance. Last evaluated: 2025-04-28. Review status: criteria provided, single submitter. Criteria: GeneDx Variant Classification Process June 2021. Collection method: clinical testing. Allele origin: germline. Affected: yes.
Comment: In silico analysis supports that this missense variant has a deleterious effect on protein structure/function; Has not been previously published as pathogenic or benign to our knowledge

Literature cited by the submitters: uncertain (cited by Clinical Genomics Laboratory, Washington University in St. Louis).